The following is an entry in ClinVar:

ClinVar aggregate classification (germline): Uncertain significance (1 of 4 stars; one submission).

Allele frequency attached by ClinVar (database versions not stated): ExAC 0.00002; ESP Exome Variant Server 0.00008.
gnomAD v4.1: 41 of 1,613,372 alleles (0.0025%); highest among the groups gnomAD compares: Middle Eastern, 0.016%; no homozygotes.

Submission:

Labcorp Genetics (formerly Invitae), Labcorp
Classification: Uncertain significance. Last evaluated: 2021-12-20. Review status: criteria provided, single submitter. Criteria: Invitae Variant Classification Sherloc (09022015). Collection method: clinical testing. Allele origin: germline.
Comment: This sequence change replaces arginine, which is basic and polar, with histidine, which is basic and polar, at codon 375 of the AGTR1 protein (p.Arg375His). This variant is present in population databases (rs377193123, gnomAD 0.009%). In summary, the available evidence is currently insufficient to determine the role of this variant in disease. Therefore, it has been classified as a Variant of Uncertain Significance. Algorithms developed to predict the effect of missense changes on protein structure and function are either unavailable or do not agree on the potential impact of this missense change (SIFT: "Deleterious"; PolyPhen-2: "Not Available"; Align-GVGD: "Class C25"). This variant has not been reported in the literature in individuals affected with AGTR1-related conditions.

NM_000685.5(AGTR1):c.1019G>A (p.Arg340His)

Gene: AGTR1 (angiotensin II receptor type 1; plus strand). Cytogenetic location: 3q24.
Variant type: single nucleotide variant.
Coding change: c.1019G>A on transcript NM_000685.5 (MANE Select); coding-DNA position 1019, G replaced by A.
Protein change: p.Arg340His; replaces arginine 340 with histidine.
Molecular consequence: missense variant.
Genome position (GRCh38, 1-based): chr3:148,742,054, G>A. VCF-style: chr3-148742054-G-A. GRCh37 (hg19) VCF-style: chr3-148459841-G-A.
Other names: c.1019G>A, p.Arg340His (NM_001382736.1, NM_001382737.1, NM_004835.5 and 3 more transcripts); short protein forms R340H.
Identifiers: ClinVar variation 1910330 (VCV001910330.5), dbSNP rs377193123, ClinGen allele CA2657431.